The following is an entry in ClinVar:

ClinVar aggregate classification (germline): Benign/Likely benign. Review status: criteria provided, multiple submitters, no conflicts (2 of 4 stars). 4 submissions from 4 submitters: Benign (2); Likely benign (2). Last evaluated 2025-10-14.

Allele frequency attached by ClinVar (database versions not stated): ESP Exome Variant Server 0.00076; gnomAD 0.00082 and 0.00045; gnomAD exomes 0.00188; 1000 Genomes Project 30x 0.00203; 1000 Genomes Project 0.00220; ExAC 0.00228; TOPMed 0.00066.
gnomAD v4.1: 1,727 of 1,574,412 alleles (0.11%); highest among the groups gnomAD compares: South Asian, 1.1%; 20 homozygotes.

Submissions (4):

Labcorp Genetics (formerly Invitae), Labcorp
Classification: Benign. Last evaluated: 2025-10-14. Review status: criteria provided, single submitter. Criteria: Invitae Variant Classification Sherloc (09022015). Collection method: clinical testing. Allele origin: germline.

GeneDx
Classification: Likely benign. Last evaluated: 2019-02-21. Review status: criteria provided, single submitter. Criteria: GeneDx Variant Classification Process June 2021. Collection method: clinical testing. Allele origin: germline. Affected: yes.

Laboratory for Molecular Medicine, Mass General Brigham Personalized Medicine
Classification: Benign. Last evaluated: 2016-04-05. Review status: criteria provided, single submitter. Criteria: LMM Criteria. Collection method: clinical testing. Allele origin: germline. Observed: 1 variant allele.
Comment: c.4252+12C>T in intron 35 of OTOGL: This variant is not expected to have clinica l significance because it is not located within the conserved splice consensus s equence. It has been identified in 1.2% (174/14558) of South Asian chromosomes b y the Exome Aggregation Consortium (ExAC).

Breakthrough Genomics
Classification: Likely benign. Review status: criteria provided, single submitter. Criteria: ACMG Guidelines, 2015. Collection method: not provided. Allele origin: germline. Inheritance: Autosomal recessive inheritance. Affected: yes.

NM_001378609.3(OTOGL):c.4279+12C>T

Gene: OTOGL (otogelin like; plus strand). Cytogenetic location: 12q21.31.
Variant type: single nucleotide variant.
Coding change: c.4279+12C>T on transcript NM_001378609.3 (MANE Select); 12 bases into the intron after coding-DNA position 4279, C replaced by T.
Molecular consequence: intron variant.
Genome position (GRCh38, 1-based): chr12:80,328,756, C>T. VCF-style: chr12-80328756-C-T. GRCh37 (hg19) VCF-style: chr12-80722536-C-T.
Other names: c.4144+12C>T (NM_001368062.3); c.4279+12C>T (NM_001378610.3, NM_173591.7).
Identifiers: ClinVar variation 226948 (VCV000226948.16), dbSNP rs200115208, ClinGen allele CA6701322.